The following is an entry in ClinVar:

ClinVar aggregate classification (germline): Uncertain significance (1 of 4 stars; one submission).

gnomAD v4.1: 4 of 1,242,942 alleles (0.00032%); highest among the groups gnomAD compares: Non-Finnish European, 0.0004%; no homozygotes.

Submission:

Ambry Genetics
Classification: Uncertain significance. Last evaluated: 2024-12-04. Review status: criteria provided, single submitter. Criteria: Ambry Variant Classification Scheme 2023. Collection method: clinical testing. Allele origin: germline.
Comment: The p.P23S variant (also known as c.67C>T), located in coding exon 1 of the WNK2 gene, results from a C to T substitution at nucleotide position 67. The proline at codon 23 is replaced by serine, an amino acid with similar properties. This amino acid position is conserved. In addition, this alteration is predicted to be tolerated by in silico analysis. Based on the available evidence, the clinical significance of this variant remains unclear.

NM_006648.4(WNK2):c.67C>T (p.Pro23Ser)

Gene: WNK2 (WNK lysine deficient protein kinase 2; plus strand). Cytogenetic location: 9q22.31.
Variant type: single nucleotide variant.
Coding change: c.67C>T on transcript NM_006648.4 (MANE Select); coding-DNA position 67, C replaced by T.
Protein change: p.Pro23Ser; replaces proline 23 with serine.
Molecular consequence: missense variant.
Genome position (GRCh38, 1-based): chr9:93,184,996, C>T. VCF-style: chr9-93184996-C-T. GRCh37 (hg19) VCF-style: chr9-95947278-C-T.
Other names: c.67C>T, p.Pro23Ser (NM_001282394.3); short protein forms P23S.
Identifiers: ClinVar variation 3470578 (VCV003470578.1).